The following is an entry in ClinVar:

NM_000268.4(NF2):c.1574+3A>G

Gene: NF2 (NF2, moesin-ezrin-radixin like (MERLIN) tumor suppressor; plus strand). Cytogenetic location: 22q12.2.
Variant type: single nucleotide variant.
Coding change: c.1574+3A>G on transcript NM_000268.4 (MANE Select); 3 bases into the intron after coding-DNA position 1574, A replaced by G.
Molecular consequence: intron variant.
Genome position (GRCh38, 1-based): chr22:29,678,326, A>G. VCF-style: chr22-29678326-A-G. GRCh37 (hg19) VCF-style: chr22-30074315-A-G.
Other names: c.1574+3A>G (NM_016418.5, NM_181832.3, NM_001407060.1 and 2 more transcripts); c.1460+3A>G (NM_001407056.1, NM_001407053.1); c.1343+3A>G (NM_001407067.1); c.1040+3A>G (NM_001407065.1); c.1439+3A>G (NM_001407059.1, NM_001407057.1); c.448-16426A>G (NM_181833.3); c.1451+3A>G (NM_001407058.1, NM_181829.3, NM_001407054.1); c.1316+3A>G (NM_001407062.1); and 2 more.
Identifiers: ClinVar variation 3684119 (VCV003684119.2).

ClinVar aggregate classification (germline): Uncertain significance (1 of 4 stars; one submission).

Conditions:
Neurofibromatosis, type 2 (SWNV). Also called: BILATERAL ACOUSTIC NEUROFIBROMATOSIS; SCHWANNOMATOSIS, VESTIBULAR; NF2-Related Schwannomatosis. Identifiers: Orphanet 637, MedGen C0027832, MONDO:0007039, OMIM 101000. Disease mechanism: loss of function.

Submission:

Labcorp Genetics (formerly Invitae), Labcorp
Classification: Uncertain significance for Neurofibromatosis, type 2. Last evaluated: 2024-08-07. Review status: criteria provided, single submitter. Criteria: Invitae Variant Classification Sherloc (09022015). Collection method: clinical testing. Allele origin: germline.
Comment: This sequence change falls in intron 14 of the NF2 gene. It does not directly change the encoded amino acid sequence of the NF2 protein. It affects a nucleotide within the consensus splice site. This variant is not present in population databases (gnomAD no frequency). This variant has not been reported in the literature in individuals affected with NF2-related conditions. Variants that disrupt the consensus splice site are a relatively common cause of aberrant splicing (PMID: 17576681, 9536098). RNA analysis provides insufficient evidence to determine the effect of this variant on NF2 splicing (Invitae). In summary, the available evidence is currently insufficient to determine the role of this variant in disease. Therefore, it has been classified as a Variant of Uncertain Significance.

Literature cited by the submitters: PubMed 17576681; PubMed 9536098.